The following is an entry in ClinVar:

ClinVar aggregate classification (germline): Uncertain significance (1 of 4 stars; one submission).

Conditions:
Adams-Oliver syndrome 5 (AOS5). Identifiers: Orphanet 974, MedGen C4014970, MONDO:0014459, OMIM 616028.

gnomAD v4.1: 1 of 1,612,188 alleles (0.000062%); highest among the groups gnomAD compares: Non-Finnish European, 0.000085%; no homozygotes.

Submission:

Labcorp Genetics (formerly Invitae), Labcorp
Classification: Uncertain significance for Adams-Oliver syndrome 5. Last evaluated: 2025-11-11. Review status: criteria provided, single submitter. Criteria: Invitae Variant Classification Sherloc (09022015). Collection method: clinical testing. Allele origin: germline.
Comment: This sequence change replaces proline, which is neutral and non-polar, with threonine, which is neutral and polar, at codon 1417 of the NOTCH1 protein (p.Pro1417Thr). This variant is not present in population databases (gnomAD no frequency). This variant has not been reported in the literature in individuals affected with NOTCH1-related conditions. Invitae Evidence Modeling of protein sequence and biophysical properties (such as structural, functional, and spatial information, amino acid conservation, physicochemical variation, residue mobility, and thermodynamic stability) indicates that this missense variant is not expected to disrupt NOTCH1 protein function with a negative predictive value of 80%. In summary, the available evidence is currently insufficient to determine the role of this variant in disease. Therefore, it has been classified as a Variant of Uncertain Significance.

NM_017617.5(NOTCH1):c.4249C>A (p.Pro1417Thr)

Gene: NOTCH1 (notch receptor 1; minus strand). Cytogenetic location: 9q34.3.
Variant type: single nucleotide variant.
Coding change: c.4249C>A on transcript NM_017617.5 (MANE Select); coding-DNA position 4249, C replaced by A.
Protein change: p.Pro1417Thr; replaces proline 1417 with threonine.
Molecular consequence: missense variant.
Genome position (GRCh38, 1-based): chr9:136,505,647, G>T on the plus strand (C>A on the coding strand, the complement: NOTCH1 is on the minus strand). VCF-style: chr9-136505647-G-T. GRCh37 (hg19) VCF-style: chr9-139400099-G-T.
Other names: short protein forms P1417T.
Identifiers: ClinVar variation 4744089 (VCV004744089.1).